The following is an entry in ClinVar:

ClinVar aggregate classification (germline): Uncertain significance. Review status: criteria provided, multiple submitters, no conflicts (2 of 4 stars). 2 submissions from 2 submitters: Uncertain significance (2). Last evaluated 2024-10-06.

Allele frequency attached by ClinVar (database versions not stated): gnomAD exomes 0.00001; TOPMed 0.00001; ExAC 0.00002; gnomAD 0.00002; 1000 Genomes Project 30x 0.00031; 1000 Genomes Project 0.00040.
gnomAD v4.1: 13 of 1,613,436 alleles (0.00081%); highest among the groups gnomAD compares: East Asian, 0.0045%; no homozygotes.

Submissions (2):

Labcorp Genetics (formerly Invitae), Labcorp
Classification: Uncertain significance. Last evaluated: 2024-10-06. Review status: criteria provided, single submitter. Criteria: Invitae Variant Classification Sherloc (09022015). Collection method: clinical testing. Allele origin: germline.
Comment: This sequence change replaces methionine, which is neutral and non-polar, with threonine, which is neutral and polar, at codon 60 of the BMP2 protein (p.Met60Thr). This variant is present in population databases (rs557734542, gnomAD 0.009%). This variant has not been reported in the literature in individuals affected with BMP2-related conditions. An algorithm developed to predict the effect of missense changes on protein structure and function (PolyPhen-2) suggests that this variant is likely to be disruptive. In summary, the available evidence is currently insufficient to determine the role of this variant in disease. Therefore, it has been classified as a Variant of Uncertain Significance.

Blueprint Genetics
Classification: Uncertain significance. Last evaluated: 2019-12-27. Review status: criteria provided, single submitter. Criteria: ACMG Guidelines, 2015. Collection method: clinical testing. Allele origin: germline.

NM_001200.4(BMP2):c.179T>C (p.Met60Thr)

Gene: BMP2 (bone morphogenetic protein 2; plus strand). Cytogenetic location: 20p12.3.
Variant type: single nucleotide variant.
Coding change: c.179T>C on transcript NM_001200.4 (MANE Select); coding-DNA position 179, T replaced by C.
Protein change: p.Met60Thr; replaces methionine 60 with threonine.
Molecular consequence: missense variant.
Genome position (GRCh38, 1-based): chr20:6,770,305, T>C. VCF-style: chr20-6770305-T-C. GRCh37 (hg19) VCF-style: chr20-6750952-T-C.
Other names: short protein forms M60T.
Identifiers: ClinVar variation 2909821 (VCV002909821.4), dbSNP rs557734542, ClinGen allele CA9758615.